The following is an entry in ClinVar:

NM_000170.3(GLDC):c.2457+2T>A

Gene: GLDC (glycine decarboxylase; minus strand). Cytogenetic location: 9p24.1.
Variant type: single nucleotide variant.
Coding change: c.2457+2T>A on transcript NM_000170.3 (MANE Select); the canonical splice donor site of the intron after coding-DNA position 2457, T replaced by A.
Molecular consequence: splice donor variant.
Genome position (GRCh38, 1-based): chr9:6,553,366, A>T on the plus strand (T>A on the coding strand, the complement: GLDC is on the minus strand). VCF-style: chr9-6553366-A-T. GRCh37 (hg19) VCF-style: chr9-6553366-A-T.
Identifiers: ClinVar variation 4068687 (VCV004068687.2).
Genomic context (GRCh38, chr9:6,553,366, plus strand): 5'-GTCCCCATGCATGCCTGACGCCCCCACCCACCTGCACACCTGCACATACTCCCAGGCCTC[A>T]CCTTGATATAAGCCCAGGAAATGGGCAAGATGGAACTGGAGCCCCATGGGGCCGCACTGA-3'

ClinVar aggregate classification (germline): Pathogenic (1 of 4 stars; one submission).

Conditions:
Glycine encephalopathy. Also called: Nonketotic hyperglycinemia; Non-ketotic hyperglycinemia. Identifiers: Orphanet 407, MedGen C0751748, MONDO:0011612, HP:0008288.

Submission:

Natera, Inc.
Classification: Pathogenic for Non-ketotic hyperglycinemia. Last evaluated: 2025-03-11. Review status: criteria provided, single submitter. Criteria: Natera Variant Classification Schema (03/2026). Collection method: clinical testing. Allele origin: germline.
Comment: The c.2457+2T>A variant in GLDC is a canonical splice donor site variant predicted to affect pre-mRNA splicing, which may result in an abnormal transcript and altered protein product. This variant is expected to result in nonsense mediated decay, truncation, or a dysfunctional protein product. This variant is rare in the general population with a frequency below the threshold expected for the associated phenotype(s). This variant has been observed in one or more individuals affected with the associated recessive disease, as either homozygous or compound heterozygous with a second variant (PMID: 28737873). This variant has been identified in one or more affected individual with a phenotype highly consistent with the associated gene (PMID: 28737873). Given the available evidence, this variant is classified as Pathogenic.

Literature cited by the submitters: PubMed 28737873.